The following is an entry in ClinVar:

ClinVar aggregate classification (germline): Uncertain significance (1 of 4 stars; one submission).

Submission:

GeneDx
Classification: Uncertain significance. Last evaluated: 2024-05-31. Review status: criteria provided, single submitter. Criteria: GeneDx Variant Classification Process June 2021. Collection method: clinical testing. Allele origin: germline. Affected: yes.
Comment: Not observed at significant frequency in large population cohorts (gnomAD); In silico analysis indicates that this missense variant does not alter protein structure/function; Has not been previously published as pathogenic or benign to our knowledge

NM_001277115.2(DNAH11):c.1328G>T (p.Ser443Ile)

Gene: DNAH11 (dynein axonemal heavy chain 11; plus strand). Cytogenetic location: 7p15.3.
Variant type: single nucleotide variant.
Coding change: c.1328G>T on transcript NM_001277115.2 (MANE Select); coding-DNA position 1328, G replaced by T.
Protein change: p.Ser443Ile; replaces serine 443 with isoleucine.
Molecular consequence: missense variant.
Genome position (GRCh38, 1-based): chr7:21,570,202, G>T. VCF-style: chr7-21570202-G-T. GRCh37 (hg19) VCF-style: chr7-21609820-G-T.
Other names: short protein forms S443I.
Identifiers: ClinVar variation 3383901 (VCV003383901.1).